The following is an entry in ClinVar:

ClinVar aggregate classification (germline): Uncertain significance (1 of 4 stars; one submission).

Submission:

Dasa
Classification: Uncertain significance. Last evaluated: 2025-06-17. Review status: criteria provided, single submitter. Criteria: DASA Assertion Criteria. Collection method: clinical testing. Allele origin: germline.
Comment: NM_000202.8(IDS):c.572T>C (p.Val191Ala) is a missense variant that results in the substitution of valine with alanine. The affected residue or protein region has prior evidence supporting clinical relevance. This variant is absent from population databases. The currently available literature and clinical evidence are not sufficient to establish a definitive association between this variant and the reported condition. Therefore, this variant is classified as a variant of uncertain significance.

NM_000202.8(IDS):c.572T>C (p.Val191Ala)

Genes: IDS (iduronate 2-sulfatase; minus strand), LOC106050102 (IDS recombination region; plus strand). Cytogenetic location: Xq28.
Variant type: single nucleotide variant.
Coding change: c.572T>C on transcript NM_000202.8 (MANE Select); coding-DNA position 572, T replaced by C.
Protein change: p.Val191Ala; replaces valine 191 with alanine.
Molecular consequence: missense variant. On other transcripts: non-coding transcript variant (1).
Genome position (GRCh38, 1-based): chrX:149,498,243, A>G on the plus strand (T>C on the coding strand, the complement: IDS is on the minus strand). VCF-style: chrX-149498243-A-G. GRCh37 (hg19) VCF-style: chrX-148579774-A-G.
Other names: c.302T>C, p.Val101Ala (NM_001166550.4); c.572T>C, p.Val191Ala (NM_006123.5); short protein forms V101A, V191A.
Identifiers: ClinVar variation 4882242 (VCV004882242.2).
Genomic context (GRCh38, chrX:149,498,243, plus strand): 5'-TTTTCCAACAACTGTATGGCTTGCTCAGTGCTCTGTTTGTCAGGCAAGGTGCCCTCGGGA[A>G]CATCCAGCACATCCACAGGGCAAAGCAGGTTGGCATGGAGTTCTCCATCTGGCCCTCGAC-3'
Protein context (NP_000193.1, residues 181-201): NLLCPVDVLD[Val191Ala]PEGTLPDKQS